The following is an entry in ClinVar:

ClinVar aggregate classification (germline): Uncertain significance (1 of 4 stars; one submission).

Conditions:
Hypercholesterolemia, familial, 1. Also called: HYPERCHOLESTEROLEMIA, FAMILIAL, MODIFIER OF; LDL RECEPTOR DISORDER; Hyperlipoproteinemia Type IIa; HYPER-LOW-DENSITY-LIPOPROTEINEMIA; HYPERCHOLESTEROLEMIC XANTHOMATOSIS, FAMILIAL; Fredrickson type IIa hyperlipoproteinemia. Identifiers: Orphanet 391665, MedGen C0745103, MONDO:0007750, OMIM 143890.

Submission:

Juno Genomics, Hangzhou Juno Genomics, Inc
Classification: Uncertain significance for Hypercholesterolemia, familial, 1. Review status: criteria provided, single submitter. Criteria: ACMG Guidelines, 2015. Collection method: clinical testing. Allele origin: germline.
Comment: Absent from controls (or at extremely low frequency if recessive) in Genome Aggregation Database.

NM_001979.6(EPHX2):c.1589+1G>T

Gene: EPHX2 (epoxide hydrolase 2; plus strand). Cytogenetic location: 8p21.1.
Variant type: single nucleotide variant.
Coding change: c.1589+1G>T on transcript NM_001979.6 (MANE Select); the canonical splice donor site of the intron after coding-DNA position 1589, G replaced by T.
Molecular consequence: splice donor variant. On other transcripts: 3 prime UTR variant (1), missense variant (1).
Genome position (GRCh38, 1-based): chr8:27,544,245, G>T. VCF-style: chr8-27544245-G-T. GRCh37 (hg19) VCF-style: chr8-27401762-G-T.
Other names: c.*284G>T (NM_001414016.1); c.1590G>T, p.Lys530Asn (NM_001414018.1); c.1589+1G>T (NM_001414017.1); c.1430+1G>T (NM_001256484.2, NM_001256482.2); c.1391+1G>T (NM_001256483.2); c.1493+1G>T (NM_001414019.1); c.1466+1G>T (NM_001414020.1); short protein forms K530N.
Identifiers: ClinVar variation 5018616 (VCV005018616.2).
Genomic context (GRCh38, chr8:27,544,245, plus strand): 5'-GATTCCCCACCTGAAAAGGGGACACATTGAGGACTGTGGGCACTGGACACAGATGGACAA[G>T]TAAGGAGGTTGGGGGCTCCTGGGGTCGGGGAGAGCAGGGCCCCCCGTTCACCTTCCATAA-3'